The following is an entry in ClinVar:

ClinVar aggregate classification (germline): Pathogenic. Review status: reviewed by expert panel (3 of 4 stars). 8 submissions from 8 submitters: Pathogenic (1). 7 of the submissions do not count toward it. Last evaluated 2024-02-02.

Conditions:
F8-related disorder. Also called: F8-related condition.
Hereditary factor VIII deficiency disease (HEMA). Also called: AUTOSOMAL HEMOPHILIA A; Hemophilia A, congenital; HEM A; Factor 8 deficiency, congenital; Hemophilia A; HEMOPHILIA, CLASSIC. Identifiers: Orphanet 98878, MedGen C0019069, MONDO:0010602, OMIM 306700.

Allele frequency attached by ClinVar (database versions not stated): gnomAD exomes below 0.00001 and 0.00001; ExAC 0.00001.
gnomAD v4.1: 1 of 1,209,299 alleles (0.000083%); highest among the groups gnomAD compares: Admixed American, 0.0022%; no homozygotes.

Submissions (8):

ClinGen Coagulation Factor Deficiency Variant Curation Expert Panel, Clingen
Classification: Pathogenic for Hereditary factor VIII deficiency disease. Last evaluated: 2024-02-02. Review status: reviewed by expert panel. Criteria: ClinGen CoagFactor ACMG Specifications F8 V1.0.0. Collection method: curation. Allele origin: germline. Inheritance: X-linked inheritance.
Comment: The c.1660A>G (p.Ser554Gly) missense variant has a REVEL score of 0.938 which meets PP3 criteria (threshold >0.6). This variant is present in 1 hemizygote in gnomAD v2.1.1 and therefore, does not meet criteria for rarity in the population. Fifty-three patients are reported in Johnsen, et. al. 2107 with mild/moderate hemophilia A and the Gly554Ser variant, meeting F8 phenotype criteria for PS4_Very strong and PP4_Moderate (PMID: 29296726). The variant has been found to segregate with hemophilia A across 6 meioses among 4 different families, the PP1 criteria at the strong weight (Internal VCEP contributor). This variant has been reported in individuals who developed an inhibitor to factor replacement therapy and discrepant chromogenic and one-stage factor VIII activity levels (CDC CHAMPS database/Internal VCEP contributor). In summary, this variant meets criteria to be classified as pathogenic. ACMG/AMP criteria applied, as specified by the Coagulation Factor Deficiency Variant Curation Expert Panel for F8: PS4_Very strong, PP1_Strong, PP4_Moderate, PP3.

GeneDx
Classification: Likely pathogenic. Last evaluated: 2026-08-04. Review status: criteria provided, single submitter. Criteria: GeneDx Variant Classification Process June 2021. Collection method: clinical testing. Allele origin: germline. Not counted in ClinVar's aggregate classification.
Comment: Reported in multiple individuals with mild hemophilia A (PMID: 1301932, 11858487, 31361374); In silico analysis supports that this missense variant has a deleterious effect on protein structure/function; Also known as S535G using legacy nomenclature; This variant is associated with the following publications: (PMID: 23711294, 19473423, 7728145, 31361374, 1301932, 11858487, 7984443)

PreventionGenetics, part of Exact Sciences
Classification: Pathogenic for F8-related condition. Last evaluated: 2026-06-26. Review status: criteria provided, single submitter. Criteria: ACMG Guidelines, 2015. Collection method: clinical testing. Allele origin: germline. Not counted in ClinVar's aggregate classification.
Comment: The F8 c.1660A>G variant is predicted to result in the amino acid substitution p.Ser554Gly. This variant, also referred to as p.Ser535Gly using legacy nomenclature, has been reported in individuals with mild to moderate hemophilia A (Diamond et al. 1992. PubMed ID: 1301932; Antonarakis et al. 1995. PubMed ID: 7728145; Liu et al. 2002. PubMed ID: 11858487; F8 database). Different missense variants in the same codon (p.Ser554Arg; p.Ser554Cys; p.Ser554Asn) have been reported in individuals with hemophilia A (Feng et al. 2021. PubMed ID: 33245802; Bogdanova et al. 2001. PubMed ID: 11748850; Rydz et al. 2013. PubMed ID: 23913812; F8 database). This variant is reported in 0.0036% of alleles in individuals of Latino descent in gnomAD. This variant is interpreted as pathogenic.

Mayo Clinic Laboratories, Mayo Clinic
Classification: Likely pathogenic. Last evaluated: 2025-10-07. Review status: criteria provided, single submitter. Criteria: ACMG Guidelines, 2015. Collection method: clinical testing. Allele origin: germline. Observed: 5 variant alleles. Not counted in ClinVar's aggregate classification.
Comment: PP3_strong, PP5, PM2_supporting, PS4_very_strong

ARUP Laboratories, Molecular Genetics and Genomics, ARUP Laboratories
Classification: Pathogenic. Last evaluated: 2025-03-04. Review status: criteria provided, single submitter. Criteria: ARUP Molecular Germline Variant Investigation Process 2024. Collection method: clinical testing. Allele origin: germline. Not counted in ClinVar's aggregate classification.
Comment: The F8 c.1660A>G; p.Ser554Gly variant (rs137852419), also known as Ser535Gly for legacy nomenclature, is reported in multiple individuals with mild hemophilia A (FVIII:C: 3-15 percent) (Diamond 1992, Antonarakis 1995, Liu 2002, Factor VIII database). This variant is also reported in ClinVar (Variation ID: 10226). It is only observed on one allele in the Genome Aggregation Database, indicating it is not a common polymorphism. The serine at codon 554 is highly conserved, and computational analyses predict that this variant is deleterious (REVEL: 0.938). Based on available information, this variant is considered to be pathogenic. References: Factor VIII database link: Antonarakis SE et al. Molecular etiology of factor VIII deficiency in hemophilia A. Hum Mutat. 1995;5(1):1-22. Diamond C et al. Amino acid substitutions in conserved domains of factor VIII and related proteins: study of patients with mild and moderately severe hemophilia A. Hum Mutat. 1992;1(3):248-57. Liu ML et al. Non-inversion factor VIII mutations in 80 hemophilia A families including 24 with alloimmune responses. Thromb Haemost. 2002 Feb;87(2):273-6.

Women's Health and Genetics/Laboratory Corporation of America, LabCorp
Classification: Pathogenic for Hereditary factor VIII deficiency disease. Last evaluated: 2023-08-08. Review status: criteria provided, single submitter. Criteria: LabCorp Variant Classification Summary - May 2015. Collection method: clinical testing. Allele origin: germline. Not counted in ClinVar's aggregate classification.
Comment: Variant summary: F8 c.1660A>G (p.Ser554Gly) results in a non-conservative amino acid change located in the multicopper oxidase-like, N-terminal domain (IPR011707) of the encoded protein sequence. Five of five in-silico tools predict a damaging effect of the variant on protein function. The variant allele was found at a frequency of 5.5e-06 in 183446 control chromosomes (gnomAD). c.1660A>G (also known as Ser535Gly) has been reported in the literature in multiple individuals affected with mild Factor VIII Deficiency (Hemophilia A) (examples: Diamond_1992 and Miller_2012). These data indicate that the variant is very likely to be associated with disease. The following publications have been ascertained in the context of this evaluation (PMID: 22103590, 1301932). Three submitters have cited clinical-significance assessments for this variant to ClinVar after 2014. All submitters classified the variant as pathogenic/likely pathogenic. Based on the evidence outlined above, the variant was classified as pathogenic.

Eurofins Ntd Llc (ga)
Classification: Likely pathogenic. Last evaluated: 2017-01-17. Review status: criteria provided, single submitter. Criteria: EGL Classification Definitions 2015. Collection method: clinical testing. Allele origin: germline. Not counted in ClinVar's aggregate classification.

OMIM
Classification: Pathogenic for HEMOPHILIA A. Last evaluated: 1995-01-01. Review status: no assertion criteria provided. Collection method: literature only. Allele origin: germline. Not counted in ClinVar's aggregate classification.

Literature cited by the submitters: PubMed 11754400 (cited by Mayo Clinic Laboratories, Mayo Clinic); PubMed 11858487 (cited by Mayo Clinic Laboratories, Mayo Clinic); PubMed 1301932 (cited by 3 submitters); PubMed 23601690 (cited by Mayo Clinic Laboratories, Mayo Clinic); PubMed 23711294 (cited by Mayo Clinic Laboratories, Mayo Clinic); PubMed 26147783 (cited by Mayo Clinic Laboratories, Mayo Clinic); PubMed 29296726 (cited by Mayo Clinic Laboratories, Mayo Clinic); PubMed 29732646 (cited by Mayo Clinic Laboratories, Mayo Clinic); PubMed 31361374 (cited by Mayo Clinic Laboratories, Mayo Clinic); PubMed 32166871 (cited by Mayo Clinic Laboratories, Mayo Clinic); PubMed 32232366 (cited by Mayo Clinic Laboratories, Mayo Clinic); PubMed 7728145 (cited by Mayo Clinic Laboratories, Mayo Clinic and OMIM); PubMed 22103590 (cited by Women's Health and Genetics/Laboratory Corporation of America, LabCorp).

NM_000132.4(F8):c.1660A>G (p.Ser554Gly)

Gene: F8 (coagulation factor VIII; minus strand). Cytogenetic location: Xq28.
Variant type: single nucleotide variant.
Coding change: c.1660A>G on transcript NM_000132.4 (MANE Select); coding-DNA position 1660, A replaced by G.
Protein change: p.Ser554Gly; replaces serine 554 with glycine.
Molecular consequence: missense variant.
Genome position (GRCh38, 1-based): chrX:154,957,049, T>C on the plus strand (A>G on the coding strand, the complement: F8 is on the minus strand). VCF-style: chrX-154957049-T-C. GRCh37 (hg19) VCF-style: chrX-154185324-T-C.
Other names: F8, SER535GLY; S535G; NM_000132.3(F8):c.1660A>G; short protein forms S554G.
Identifiers: ClinVar variation 10226 (VCV000010226.29), dbSNP rs137852419, ClinGen allele CA255116.